The following is an entry in ClinVar:

NM_002834.5(PTPN11):c.1678C>T (p.Leu560Phe)

Gene: PTPN11 (protein tyrosine phosphatase non-receptor type 11; plus strand). Cytogenetic location: 12q24.13.
Variant type: single nucleotide variant.
Coding change: c.1678C>T on transcript NM_002834.5 (MANE Select); coding-DNA position 1678, C replaced by T.
Protein change: p.Leu560Phe; replaces leucine 560 with phenylalanine.
Molecular consequence: missense variant.
Genome position (GRCh38, 1-based): chr12:112,502,222, C>T. VCF-style: chr12-112502222-C-T. GRCh37 (hg19) VCF-style: chr12-112940026-C-T.
Other names: p.L560F:CTC>TTC; NM_002834.4(PTPN11):c.1678C>T; c.1690C>T, p.Leu564Phe (NM_001330437.2); c.1675C>T, p.Leu559Phe (NM_001374625.1); short protein forms L560F, L564F, L559F.
Identifiers: ClinVar variation 44599 (VCV000044599.33), dbSNP rs397516797, ClinGen allele CA134647.

ClinVar aggregate classification (germline): Likely benign. Review status: reviewed by expert panel (3 of 4 stars). 13 submissions from 13 submitters: Likely benign (1). 12 of the submissions do not count toward it. Last evaluated 2024-09-17.

Conditions:
Noonan syndrome and Noonan-related syndrome. Identifiers: Orphanet 98733, MedGen C5681679, MONDO:0020297.
Cardiovascular phenotype. Identifiers: MedGen CN230736.
PTPN11-related disorder. Also called: PTPN11-Related Disorders.
Juvenile myelomonocytic leukemia (JMML). Also called: LEUKEMIA, JUVENILE MYELOMONOCYTIC, SOMATIC. Identifiers: Orphanet 86834, MedGen C0349639, MONDO:0011908, OMIM 607785, HP:0012209.
Metachondromatosis (METCDS). Identifiers: Orphanet 2499, MedGen C0410530, MONDO:0007979, OMIM 156250.
Noonan syndrome 1 (NS1). Also called: FEMALE PSEUDO-TURNER SYNDROME; PTPN11-Related Noonan Syndrome; TURNER PHENOTYPE WITH NORMAL KARYOTYPE. Identifiers: Orphanet 648, MedGen C4551602, MONDO:0008104, OMIM 163950. Disease mechanism: gain of function.
LEOPARD syndrome 1 (LPRD1). Also called: PTPN11-Related LEOPARD Syndrome; LENTIGINOSIS, CARDIOMYOPATHIC; MULTIPLE LENTIGINES SYNDROME. Identifiers: Orphanet 500, MedGen C4551484, MONDO:0100082, OMIM 151100.
RASopathy. Also called: Noonan spectrum disorder; rasopathies. Identifiers: Orphanet 536391, MedGen C5555857, MONDO:0021060.

Allele frequency attached by ClinVar (database versions not stated): gnomAD 0.00007; TOPMed 0.00008; ExAC 0.00003; gnomAD exomes 0.00004.
gnomAD v4.1: 78 of 1,613,728 alleles (0.0048%); highest among the groups gnomAD compares: Admixed American, 0.02%; no homozygotes.

Submissions (13):

ClinGen RASopathy Variant Curation Expert Panel
Classification: Likely benign for RASopathy. Last evaluated: 2024-09-17. Review status: reviewed by expert panel. Criteria: ClinGen RASopathy ACMG Specifications PTPN11 V2.1.0. Collection method: curation. Allele origin: germline. Inheritance: Autosomal dominant inheritance.
Comment: The c.1678C>T (p.Leu560Phe) variant in PTPN11 (NM_002834.5(PTPN11):c.1678C>T (p.Leu560Phe)) has been identified in individuals with some features of a RASopathy but none were diagnosed with a RASopathy (PS4 not met; GeneDx, Partners LMM, APHP-Robert Debré Hospital internal data; GTR ID's: 28338, 26957, 21766; SCV000061285.5; SCV000208999.2; SCV000207690.1). This variant has been identified in a patient with an alternate molecular basis for disease (BP5; GeneDx internal data: GTR ID: 26957; SCV000208999.2). In vitro functional studies provide some evidence that the p.Leu560Phe variant does not impact protein function (BS3; PMID: 15987685). In summary, this variant meets criteria to be classified as likely benign. RASopathy-specific ACMG/AMP criteria applied: BS3, BP5 (Version 2.1; 09/17/2024).

Labcorp Genetics (formerly Invitae), Labcorp
Classification: Uncertain significance for RASopathy. Last evaluated: 2026-01-15. Review status: criteria provided, single submitter. Criteria: Invitae Variant Classification Sherloc (09022015). Collection method: clinical testing. Allele origin: germline. Not counted in ClinVar's aggregate classification.
Comment: This sequence change replaces leucine, which is neutral and non-polar, with phenylalanine, which is neutral and non-polar, at codon 560 of the PTPN11 protein (p.Leu560Phe). This variant is present in population databases (rs397516797, gnomAD 0.01%). This missense change has been observed in individual(s) with Noonan syndrome and congenital hypertrophic cardiomyopathy (PMID: 12960218). ClinVar contains an entry for this variant (Variation ID: 44599). Invitae Evidence Modeling of protein sequence and biophysical properties (such as structural, functional, and spatial information, amino acid conservation, physicochemical variation, residue mobility, and thermodynamic stability) has been performed for this missense variant. However, the output from this modeling did not meet the statistical confidence thresholds required to predict the impact of this variant on PTPN11 protein function. Experimental studies have shown that this missense change does not substantially affect PTPN11 function (PMID: 15987685). In summary, the available evidence is currently insufficient to determine the role of this variant in disease. Therefore, it has been classified as a Variant of Uncertain Significance.

Women's Health and Genetics/Laboratory Corporation of America, LabCorp
Classification: Uncertain significance. Last evaluated: 2023-01-30. Review status: criteria provided, single submitter. Criteria: LabCorp Variant Classification Summary - May 2015. Collection method: clinical testing. Allele origin: germline. Not counted in ClinVar's aggregate classification.
Comment: Variant summary: PTPN11 c.1678C>T (p.Leu560Phe) results in a non-conservative amino acid change in the encoded protein sequence. Three of five in-silico tools predict a benign effect of the variant on protein function. The variant allele was found at a frequency of 4e-05 in 251088 control chromosomes (gnomAD). This frequency is not higher than predicted for a pathogenic variant in PTPN11 causing Noonan Syndrome (4e-05 vs 6.3e-05), allowing no conclusion about variant significance. c.1678C>T has been reported in the literature in at-least one individual affected with Hypertrophic Cardiomyopathy (example, Sarkozy_2003). These report(s) do not provide unequivocal conclusions about association of the variant with Noonan Syndrome. At least one publication reports experimental evidence evaluating an impact on protein function. These results showed no damaging effect of this variant on biochemical function (example, Keilhack_2005). Eight clinical diagnostic laboratories including an expert panel (ClinGen RASopathy Variant Curation Expert Panel) have submitted clinical-significance assessments for this variant to ClinVar after 2014 and classified the variant as likely benign (n=4) and uncertain significance (n=4). Based on the evidence outlined above, the variant was classified as VUS-possibly benign.

Ambry Genetics
Classification: Likely benign for Cardiovascular phenotype. Last evaluated: 2021-10-08. Review status: criteria provided, single submitter. Criteria: Ambry Variant Classification Scheme 2023. Collection method: clinical testing. Allele origin: germline. Not counted in ClinVar's aggregate classification.

Mendelics
Classification: Likely benign for Metachondromatosis. Last evaluated: 2019-05-28. Review status: criteria provided, single submitter. Criteria: Mendelics Assertion Criteria 2017. Collection method: clinical testing. Allele origin: unknown. Not counted in ClinVar's aggregate classification.

GeneDx
Classification: Likely benign for Rasopathy. Last evaluated: 2019-02-20. Review status: criteria provided, single submitter. Criteria: GeneDx Variant Classification (06012015). Collection method: clinical testing. Allele origin: germline. Affected: yes. Not counted in ClinVar's aggregate classification.
Comment: This variant is considered likely benign or benign based on one or more of the following criteria: it is a conservative change, it occurs at a poorly conserved position in the protein, it is predicted to be benign by multiple in silico algorithms, and/or has population frequency not consistent with disease.

Fulgent Genetics
Classification: Uncertain significance for LEOPARD syndrome 1; Metachondromatosis; Noonan syndrome 1; Juvenile myelomonocytic leukemia. Last evaluated: 2017-05-23. Review status: criteria provided, single submitter. Criteria: ACMG Guidelines, 2015. Collection method: clinical testing. Allele origin: unknown. Not counted in ClinVar's aggregate classification.

Genome Diagnostics Laboratory, The Hospital for Sick Children
Classification: Uncertain significance for Noonan syndrome and Noonan-related syndrome. Last evaluated: 2016-12-12. Review status: criteria provided, single submitter. Criteria: ACMG Guidelines, 2015. Collection method: clinical testing. Allele origin: germline. Not counted in ClinVar's aggregate classification.

Laboratory for Molecular Medicine, Mass General Brigham Personalized Medicine
Classification: Uncertain significance. Last evaluated: 2009-01-27. Review status: criteria provided, single submitter. Criteria: LMM Criteria. Collection method: clinical testing. Allele origin: germline. Observed: 1 variant allele. Not counted in ClinVar's aggregate classification.

PreventionGenetics, part of Exact Sciences
Classification: Likely benign for PTPN11-related condition. Last evaluated: 2020-06-03. Review status: no assertion criteria provided. Collection method: clinical testing. Allele origin: germline. Not counted in ClinVar's aggregate classification.
Comment: This variant is classified as likely benign based on ACMG/AMP sequence variant interpretation guidelines (Richards et al. 2015 PMID: 25741868, with internal and published modifications).

Greenwood Genetic Center Diagnostic Laboratories, Greenwood Genetic Center
Classification: Uncertain significance. Last evaluated: 2015-01-15. Review status: no assertion criteria provided. Collection method: clinical testing. Allele origin: germline. Not counted in ClinVar's aggregate classification.

Joint Genome Diagnostic Labs from Nijmegen and Maastricht, Radboudumc and MUMC+
Classification: Likely benign. Review status: no assertion criteria provided. Collection method: clinical testing. Allele origin: germline. Affected: yes. Study: VKGL Data-share Consensus. Not counted in ClinVar's aggregate classification.

Laboratory of Diagnostic Genome Analysis, Leiden University Medical Center (LUMC)
Classification: Likely benign. Review status: no assertion criteria provided. Collection method: clinical testing. Allele origin: germline. Affected: yes. Study: VKGL Data-share Consensus. Not counted in ClinVar's aggregate classification.

Literature cited by the submitters: PubMed 15987685 (cited by 4 submitters); PubMed 12960218 (cited by 3 submitters).